The following is an entry in ClinVar:

NM_024529.5(CDC73):c.1594T>G (p.Ter532Gly)

Gene: CDC73 (cell division cycle 73; plus strand). Cytogenetic location: 1q31.2.
Variant type: single nucleotide variant.
Coding change: c.1594T>G on transcript NM_024529.5 (MANE Select); coding-DNA position 1594, T replaced by G.
Protein change: p.Ter532Gly.
Molecular consequence: stop lost.
Genome position (GRCh38, 1-based): chr1:193,250,710, T>G. VCF-style: chr1-193250710-T-G. GRCh37 (hg19) VCF-style: chr1-193219840-T-G.
Identifiers: ClinVar variation 1999153 (VCV001999153.4), dbSNP rs933656799, ClinGen allele CA35103496.
Genomic context (GRCh38, chr1:193,250,710, plus strand): 5'-ATAACCTACCATAATATTTTTTTCAGGTACATGGTAAAGCATAAATCGCACTTGAGATTC[T>G]GAATTATTTGGCTCCTCCATTTCTGGAAATTGAGACTCAAGCTTTATGAATTTATCAAGA-3'

ClinVar aggregate classification (germline): Uncertain significance (1 of 4 stars; one submission).

Conditions:
Parathyroid carcinoma (PRTC). Also called: CDC73-Related Parathyroid Carcinoma; Parathyroid gland carcinoma. Identifiers: Orphanet 143, MedGen C0687150, MONDO:0012004, OMIM 608266, HP:0006780.

Submission:

Labcorp Genetics (formerly Invitae), Labcorp
Classification: Uncertain significance for Parathyroid carcinoma. Last evaluated: 2022-05-26. Review status: criteria provided, single submitter. Criteria: Invitae Variant Classification Sherloc (09022015). Collection method: clinical testing. Allele origin: germline.
Comment: This sequence change disrupts the translational stop signal of the CDC73 mRNA. It is expected to extend the length of the CDC73 protein by 29 additional amino acid residues. In summary, the available evidence is currently insufficient to determine the role of this variant in disease. Therefore, it has been classified as a Variant of Uncertain Significance. Experimental studies and prediction algorithms are not available or were not evaluated, and the functional significance of this variant is currently unknown. This variant has not been reported in the literature in individuals affected with CDC73-related conditions. This variant is not present in population databases (gnomAD no frequency).